The following is an entry in ClinVar:

ClinVar aggregate classification (germline): Benign/Likely benign. Review status: criteria provided, multiple submitters, no conflicts (2 of 4 stars). 3 submissions from 3 submitters: Benign (1); Likely benign (2). Last evaluated 2026-01-18.

Conditions:
Primary dilated cardiomyopathy (DCM). Also called: Dilated Cardiomyopathy. Identifiers: Orphanet 217604, MedGen C0007193, MeSH D002311, MONDO:0005021, HP:0001644. Inheritance: Various modes of inheritance.

Allele frequency attached by ClinVar (database versions not stated): ExAC 0.00015; gnomAD exomes 0.00029; 1000 Genomes Project 30x 0.00234; 1000 Genomes Project 0.00240; gnomAD 0.00304 and 0.00329; TOPMed 0.00323.
gnomAD v4.1: 786 of 1,465,462 alleles (0.054%); highest among the groups gnomAD compares: African/African-American, 1.1%; 2 homozygotes.

Submissions (3):

Labcorp Genetics (formerly Invitae), Labcorp
Classification: Benign for Primary dilated cardiomyopathy. Last evaluated: 2026-01-18. Review status: criteria provided, single submitter. Criteria: Invitae Variant Classification Sherloc (09022015). Collection method: clinical testing. Allele origin: germline.

Blueprint Genetics
Classification: Likely benign. Last evaluated: 2024-08-28. Review status: criteria provided, single submitter. Criteria: ACMG Guidelines, 2015. Collection method: clinical testing. Allele origin: germline.

GeneDx
Classification: Likely benign. Last evaluated: 2018-01-22. Review status: criteria provided, single submitter. Criteria: GeneDx Variant Classification (06012015). Collection method: clinical testing. Allele origin: germline. Affected: yes.
Comment: This variant is considered likely benign or benign based on one or more of the following criteria: it is a conservative change, it occurs at a poorly conserved position in the protein, it is predicted to be benign by multiple in silico algorithms, and/or has population frequency not consistent with disease.

NM_006440.5(TXNRD2):c.103+19G>A

Genes: TXNRD2 (thioredoxin reductase 2; minus strand), LOC130066960 (ATAC-STARR-seq lymphoblastoid silent region 13467; plus strand). Cytogenetic location: 22q11.21.
Variant type: single nucleotide variant.
Coding change: c.103+19G>A on transcript NM_006440.5 (MANE Select); 19 bases into the intron after coding-DNA position 103, G replaced by A.
Molecular consequence: intron variant.
Genome position (GRCh38, 1-based): chr22:19,941,682, C>T on the plus strand (G>A on the coding strand, the complement: TXNRD2 is on the minus strand). VCF-style: chr22-19941682-C-T. GRCh37 (hg19) VCF-style: chr22-19929205-C-T.
Other names: c.103+19G>A (NM_001352300.2, NM_001282512.3, LRG_417t1).
Identifiers: ClinVar variation 389390 (VCV000389390.10), dbSNP rs45536341, ClinGen allele CA10104403.
Genomic context (GRCh38, chr22:19,941,682, plus strand): 5'-CACCGCCGCGCGGACACCCTCACGAGGACACCCCGGCCGCGCGGACACCTACCGCGGGGA[C>T]GCCCCGACCCCATCCTACCTGCTGCGCCCCGCGCCGCGCCCCGCACCCCGCCCGCCACGG-3'